The following is an entry in ClinVar:

NM_020821.3(VPS13C):c.8602C>G (p.Leu2868Val)

Gene: VPS13C (vacuolar protein sorting 13 homolog C; minus strand). Cytogenetic location: 15q22.2.
Variant type: single nucleotide variant.
Coding change: c.8602C>G on transcript NM_020821.3 (MANE Select); coding-DNA position 8602, C replaced by G.
Protein change: p.Leu2868Val; replaces leucine 2868 with valine.
Molecular consequence: missense variant.
Genome position (GRCh38, 1-based): chr15:61,911,953, G>C on the plus strand (C>G on the coding strand, the complement: VPS13C is on the minus strand). VCF-style: chr15-61911953-G-C. GRCh37 (hg19) VCF-style: chr15-62204152-G-C.
Other names: c.8602C>G, p.Leu2868Val (NM_001018088.3); c.8473C>G, p.Leu2825Val (NM_017684.5, NM_018080.4); short protein forms L2868V, L2825V.
Identifiers: ClinVar variation 2167610 (VCV002167610.1), dbSNP rs192667052, ClinGen allele CA7594932.

ClinVar aggregate classification (germline): Uncertain significance (1 of 4 stars; one submission).

Allele frequency attached by ClinVar (database versions not stated): 1000 Genomes Project 30x 0.00031.
gnomAD v4.1: 38 of 1,611,660 alleles (0.0024%); highest among the groups gnomAD compares: Admixed American, 0.063%; no homozygotes.

Submission:

Labcorp Genetics (formerly Invitae), Labcorp
Classification: Uncertain significance. Last evaluated: 2022-07-22. Review status: criteria provided, single submitter. Criteria: Invitae Variant Classification Sherloc (09022015). Collection method: clinical testing. Allele origin: germline.
Comment: This sequence change replaces leucine, which is neutral and non-polar, with valine, which is neutral and non-polar, at codon 2868 of the VPS13C protein (p.Leu2868Val). This variant is present in population databases (rs192667052, gnomAD 0.1%). This variant has not been reported in the literature in individuals affected with VPS13C-related conditions. Algorithms developed to predict the effect of missense changes on protein structure and function are either unavailable or do not agree on the potential impact of this missense change (SIFT: "Tolerated"; PolyPhen-2: "Possibly Damaging"; Align-GVGD: "Class C0"). Algorithms developed to predict the effect of sequence changes on RNA splicing suggest that this variant may create or strengthen a splice site. In summary, the available evidence is currently insufficient to determine the role of this variant in disease. Therefore, it has been classified as a Variant of Uncertain Significance.